The following is an entry in ClinVar:

ClinVar aggregate classification (germline): Uncertain significance. Review status: criteria provided, single submitter (1 of 4 stars). 2 submissions from 2 submitters: Uncertain significance (1). 1 of the submissions does not count toward it. Last evaluated 2022-08-16.

Conditions:
Athabaskan severe combined immunodeficiency (SCIDA). Also called: Severe combined immunodeficiency, athabascan-type. Identifiers: MedGen C1865370.
Severe combined immunodeficiency due to DCLRE1C deficiency (RS-SCID). Also called: SCID, AUTOSOMAL RECESSIVE, T CELL-NEGATIVE, B CELL-NEGATIVE, NK CELL-POSITIVE, WITH SENSITIVITY TO IONIZING RADIATION. Identifiers: Orphanet 275, MedGen C1865371, MONDO:0011225, OMIM 602450.

Allele frequency attached by ClinVar (database versions not stated): TOPMed below 0.00001.

Submissions (2):

Labcorp Genetics (formerly Invitae), Labcorp
Classification: Uncertain significance for Athabaskan severe combined immunodeficiency. Last evaluated: 2022-08-16. Review status: criteria provided, single submitter. Criteria: Invitae Variant Classification Sherloc (09022015). Collection method: clinical testing. Allele origin: germline.
Comment: This sequence change replaces histidine, which is basic and polar, with aspartic acid, which is acidic and polar, at codon 666 of the DCLRE1C protein (p.His666Asp). This variant is not present in population databases (gnomAD no frequency). This variant has not been reported in the literature in individuals affected with DCLRE1C-related conditions. ClinVar contains an entry for this variant (Variation ID: 842470). Algorithms developed to predict the effect of missense changes on protein structure and function output the following: SIFT: "Tolerated"; PolyPhen-2: "Benign"; Align-GVGD: "Class C0". The aspartic acid amino acid residue is found in multiple mammalian species, which suggests that this missense change does not adversely affect protein function. In summary, the available evidence is currently insufficient to determine the role of this variant in disease. Therefore, it has been classified as a Variant of Uncertain Significance.

Natera, Inc.
Classification: Uncertain significance for Athabascan severe combined immunodeficiency. Last evaluated: 2021-03-04. Review status: no assertion criteria provided. Collection method: clinical testing. Allele origin: germline. Not counted in ClinVar's aggregate classification.

NM_001033855.3(DCLRE1C):c.1996C>G (p.His666Asp)

Gene: DCLRE1C (DNA cross-link repair 1C; minus strand). Cytogenetic location: 10p13.
Variant type: single nucleotide variant.
Coding change: c.1996C>G on transcript NM_001033855.3 (MANE Select); coding-DNA position 1996, C replaced by G.
Protein change: p.His666Asp; replaces histidine 666 with aspartic acid.
Molecular consequence: missense variant. On other transcripts: non-coding transcript variant (3), intron variant (3).
Genome position (GRCh38, 1-based): chr10:14,908,491, G>C on the plus strand (C>G on the coding strand, the complement: DCLRE1C is on the minus strand). VCF-style: chr10-14908491-G-C. GRCh37 (hg19) VCF-style: chr10-14950490-G-C.
Other names: c.1636C>G, p.His546Asp (NM_001033857.3, NM_001033858.3, NM_001289077.2 and 1 more transcripts); c.1651C>G, p.His551Asp (NM_001289076.2, NM_001289078.2, NM_022487.4); c.1437+214C>G (NM_001350966.2); c.1782+214C>G (NM_001350965.2); c.1422+214C>G (NM_001350967.2); short protein forms H546D, H551D, H666D.
Identifiers: ClinVar variation 842470 (VCV000842470.12), dbSNP rs1834683814, ClinGen allele CA376074117.